The following is an entry in ClinVar:

NM_017780.4(CHD7):c.2919_2922GGAG[1] (p.Glu974_Gly975insTer)

Gene: CHD7 (chromodomain helicase DNA binding protein 7; plus strand). Cytogenetic location: 8q12.2.
Variant type: Microsatellite.
Coding change: c.2919_2922GGAG[1] on transcript NM_017780.4 (MANE Select).
Protein change: p.Glu974_Gly975insTer.
Molecular consequence: nonsense. On other transcripts: intron variant (1).
Genome position: GRCh38 VCF-style: chr8-60822106-TGGAG-T. GRCh37 (hg19) VCF-style: chr8-61734665-TGGAG-T.
Other names: c.2923_2926del, p.Glu974_Gly975insTer (NM_017780.4); c.1717-40118_1717-40115del (NM_001316690.1); c.2923_2926del (NM_017780.3).
Identifiers: ClinVar variation 689644 (VCV000689644.9), dbSNP rs1586390136, ClinGen allele CA915945717.

ClinVar aggregate classification (germline): Pathogenic. Review status: criteria provided, multiple submitters, no conflicts (2 of 4 stars). 2 submissions from 2 submitters: Pathogenic (2). Last evaluated 2019-07-23.

Conditions:
CHARGE syndrome (CHARGE). Also called: Coloboma, heart anomaly, choanal atresia, retardation, genital and ear anomalies; CHARGE association; Hall-Hittner syndrome; Hittner Hirsch Kreh syndrome; CHARGE ASSOCIATION--COLOBOMA, HEART ANOMALY, CHOANAL ATRESIA, RETARDATION, GENITAL AND EAR ANOMALIES. Identifiers: Orphanet 138, MedGen C0265354, MONDO:0008965.

Submissions (2):

HudsonAlpha Institute for Biotechnology
Classification: Pathogenic for CHD7-related CHARGE syndrome. Last evaluated: 2019-07-23. Review status: criteria provided, single submitter. Criteria: ACMG Guidelines, 2015. Collection method: research. Allele origin: de novo. Affected: yes. Observed: 1 variant allele. Study: CSER-SouthSeq.
Comment: ACMG codes: PVS1, PS2, PM2, PP4

Labcorp Genetics (formerly Invitae), Labcorp
Classification: Pathogenic for CHARGE syndrome. Last evaluated: 2019-05-11. Review status: criteria provided, single submitter. Criteria: Invitae Variant Classification Sherloc (09022015). Collection method: clinical testing. Allele origin: germline.
Comment: This sequence change creates a premature translational stop signal (p.Gly975*) in the CHD7 gene. It is expected to result in an absent or disrupted protein product. This variant is not present in population databases (ExAC no frequency). This variant has not been reported in the literature in individuals with CHD7-related conditions. Loss-of-function variants in CHD7 are known to be pathogenic (PMID: 22461308, 25077900). For these reasons, this variant has been classified as Pathogenic.

Literature cited by the submitters: PubMed 22461308 (cited by Labcorp Genetics (formerly Invitae), Labcorp); PubMed 25077900 (cited by Labcorp Genetics (formerly Invitae), Labcorp).